The following is an entry in ClinVar:

ClinVar aggregate classification (germline): Uncertain significance (1 of 4 stars; one submission).

Conditions:
BAP1-related tumor predisposition syndrome (TPDS1). Also called: TUMOR PREDISPOSITION SYNDROME 1; BAP1 tumor predisposition syndrome; Tumor susceptibility linked to germline BAP1 mutations; COMMON Syndrome. Identifiers: Orphanet 289539, MedGen C3280492, MONDO:0013692, OMIM 614327.

Submission:

Labcorp Genetics (formerly Invitae), Labcorp
Classification: Uncertain significance for BAP1-related tumor predisposition syndrome. Last evaluated: 2025-10-07. Review status: criteria provided, single submitter. Criteria: Invitae Variant Classification Sherloc (09022015). Collection method: clinical testing. Allele origin: germline.
Comment: This sequence change replaces leucine, which is neutral and non-polar, with proline, which is neutral and non-polar, at codon 459 of the BAP1 protein (p.Leu459Pro). This variant is not present in population databases (gnomAD no frequency). This variant has not been reported in the literature in individuals affected with BAP1-related conditions. Invitae Evidence Modeling of protein sequence and biophysical properties (such as structural, functional, and spatial information, amino acid conservation, physicochemical variation, residue mobility, and thermodynamic stability) indicates that this missense variant is not expected to disrupt BAP1 protein function with a negative predictive value of 80%. In summary, the available evidence is currently insufficient to determine the role of this variant in disease. Therefore, it has been classified as a Variant of Uncertain Significance.

NM_004656.4(BAP1):c.1376T>C (p.Leu459Pro)

Gene: BAP1 (BRCA1 associated deubiquitinase 1; minus strand). Cytogenetic location: 3p21.1.
Variant type: single nucleotide variant.
Coding change: c.1376T>C on transcript NM_004656.4 (MANE Select); coding-DNA position 1376, T replaced by C.
Protein change: p.Leu459Pro; replaces leucine 459 with proline.
Molecular consequence: missense variant.
Genome position (GRCh38, 1-based): chr3:52,403,769, A>G on the plus strand (T>C on the coding strand, the complement: BAP1 is on the minus strand). VCF-style: chr3-52403769-A-G. GRCh37 (hg19) VCF-style: chr3-52437785-A-G.
Other names: c.1322T>C, p.Leu441Pro (NM_001410772.1); short protein forms L441P, L459P.
Identifiers: ClinVar variation 4742179 (VCV004742179.1).
Genomic context (GRCh38, chr3:52,403,769, plus strand): 5'-GGCACTGCCACAGCCGGACTCCCAGCCCCGCTGCTAGTCTTGATGGACAGAGGAATTGAG[A>G]GGTCCTTCTGGGACTCTTTGAGCTTCTCAGCCAAGACGTTGATGGTGTTGGGCTGCAGCA-3'
Protein context (NP_004647.1, residues 449-469): AEKLKESQKD[Leu459Pro]SIPLSIKTSS